The following is an entry in ClinVar:

NM_001042492.3(NF1):c.6922-8T>C

Gene: NF1 (neurofibromin 1; plus strand). Cytogenetic location: 17q11.2.
Variant type: single nucleotide variant.
Coding change: c.6922-8T>C on transcript NM_001042492.3 (MANE Select); 8 bases into the intron before coding-DNA position 6922, T replaced by C.
Molecular consequence: intron variant.
Genome position (GRCh38, 1-based): chr17:31,340,497, T>C. VCF-style: chr17-31340497-T-C. GRCh37 (hg19) VCF-style: chr17-29667515-T-C.
Other names: c.6859-8T>C (NM_000267.4); c.6922-8T>C (NM_001042492.2).
Identifiers: ClinVar variation 412987 (VCV000412987.15), dbSNP rs191255643, ClinGen allele CA8487465.

ClinVar aggregate classification (germline): Likely benign. Review status: criteria provided, multiple submitters, no conflicts (2 of 4 stars). 4 submissions from 4 submitters: Likely benign (3). 1 of the submissions does not count toward it. Last evaluated 2026-05-13.

Conditions:
NF1-related disorder. Also called: NF1-related condition. Identifiers: MedGen CN379171.
Neurofibromatosis, familial spinal (FSNF). Identifiers: Orphanet 636, MedGen C1834235, MONDO:0008078, OMIM 162210. Disease mechanism: loss of function.
Juvenile myelomonocytic leukemia (JMML). Also called: LEUKEMIA, JUVENILE MYELOMONOCYTIC, SOMATIC. Identifiers: Orphanet 86834, MedGen C0349639, MONDO:0011908, OMIM 607785, HP:0012209.
Café-au-lait macules with pulmonary stenosis (WTSN). Also called: PULMONIC STENOSIS WITH CAFE-AU-LAIT SPOTS. Identifiers: MedGen C0553586, MONDO:0008672, OMIM 193520.
Neurofibromatosis, type 1 (NF1). Also called: VON RECKLINGHAUSEN DISEASE; NEUROFIBROMATOSIS, TYPE I, SOMATIC; Neurofibromatosis, type I; Peripheral type neurofibromatosis. Identifiers: Orphanet 636, MedGen C0027831, MONDO:0018975, OMIM 162200. Disease mechanism: loss of function.
Neurofibromatosis-Noonan syndrome (NFNS). Also called: NEUROFIBROMATOSIS WITH NOONAN PHENOTYPE. Identifiers: Orphanet 638, MedGen C2931482, MONDO:0011035, OMIM 601321. Disease mechanism: loss of function.

Allele frequency attached by ClinVar (database versions not stated): ExAC 0.00001; 1000 Genomes Project 0.00040; gnomAD 0.00001 and 0.00002; ESP Exome Variant Server 0.00008; gnomAD exomes below 0.00001 and 0.00002; TOPMed 0.00001; 1000 Genomes Project 30x 0.00031.
gnomAD v4.1: 7 of 1,614,194 alleles (0.00043%); highest among the groups gnomAD compares: African/African-American, 0.0093%; no homozygotes.

Submissions (4):

Myriad Genetics, Inc.
Classification: Likely benign for Neurofibromatosis, type 1. Last evaluated: 2026-05-13. Review status: criteria provided, single submitter. Criteria: Myriad Autosomal Dominant, Autosomal Recessive and X-Linked Classification Criteria (2023). Collection method: clinical testing. Allele origin: unknown.
Comment: This variant is considered likely benign. This variant is intronic and is not expected to impact mRNA splicing.

Labcorp Genetics (formerly Invitae), Labcorp
Classification: Likely benign for Neurofibromatosis, type 1. Last evaluated: 2025-12-14. Review status: criteria provided, single submitter. Criteria: Invitae Variant Classification Sherloc (09022015). Collection method: clinical testing. Allele origin: germline.

Fulgent Genetics
Classification: Likely benign for Neurofibromatosis, type 1; Neurofibromatosis, familial spinal; Café-au-lait macules with pulmonary stenosis; Neurofibromatosis-Noonan syndrome; Juvenile myelomonocytic leukemia. Last evaluated: 2021-11-18. Review status: criteria provided, single submitter. Criteria: ACMG Guidelines, 2015. Collection method: clinical testing. Allele origin: unknown.

PreventionGenetics, part of Exact Sciences
Classification: Likely benign for NF1-related condition. Last evaluated: 2019-04-30. Review status: no assertion criteria provided. Collection method: clinical testing. Allele origin: germline. Not counted in ClinVar's aggregate classification.
Comment: This variant is classified as likely benign based on ACMG/AMP sequence variant interpretation guidelines (Richards et al. 2015 PMID: 25741868, with internal and published modifications).